The following is an entry in ClinVar:

NM_000384.3(APOB):c.1286T>G (p.Ile429Ser)

Gene: APOB (apolipoprotein B; minus strand). Cytogenetic location: 2p24.1.
Variant type: single nucleotide variant.
Coding change: c.1286T>G on transcript NM_000384.3 (MANE Select); coding-DNA position 1286, T replaced by G.
Protein change: p.Ile429Ser; replaces isoleucine 429 with serine.
Molecular consequence: missense variant.
Genome position (GRCh38, 1-based): chr2:21,032,420, A>C on the plus strand (T>G on the coding strand, the complement: APOB is on the minus strand). VCF-style: chr2-21032420-A-C. GRCh37 (hg19) VCF-style: chr2-21255292-A-C.
Other names: short protein forms I429S.
Identifiers: ClinVar variation 925433 (VCV000925433.9), dbSNP rs766709743, ClinGen allele CA051373.
Genomic context (GRCh38, chr2:21,032,420, plus strand): 5'-ACCGCGTGGCTCAGCGCATACAAGGTGGCTCGGCTGCGCTGATCCCTCGCCATGTTGAAG[A>C]TCTCTCGCAGCTGCTGTGCTGAGGGCTCGGGGATCAGGGCCACCAGGTAGGTGACCACAT-3'
Protein context (NP_000375.3, residues 419-439): PEPSAQQLRE[Ile429Ser]FNMARDQRSR

ClinVar aggregate classification (germline): Conflicting classifications of pathogenicity. Review status: criteria provided, conflicting classifications (1 of 4 stars). 2 submissions from 2 submitters: Uncertain significance (1); Likely benign (1). Last evaluated 2025-06-30.

Conditions:
Cardiovascular phenotype. Identifiers: MedGen CN230736.
Familial hypobetalipoproteinemia 1. Also called: Hypobetalipoproteinemia, normotriglyceridemic; Acanthocytosis with hypobetalipoproteinemia; APOB-Related Familial Hypobetalipoproteinemia. Identifiers: MedGen C4551990, MONDO:0014252, OMIM 615558.
Hypercholesterolemia, autosomal dominant, type B (FHCL2). Also called: Familial Hypercholesterolemia Type B; HYPERCHOLESTEROLEMIA, FAMILIAL, DUE TO LIGAND-DEFECTIVE APOLIPOPROTEIN B; Familial hypercholesterolemia 2; APOB-Related Familial Hypercholesterolemia, Autosomal Dominant; APOLIPOPROTEIN B-100, FAMILIAL DEFECTIVE; APOLIPOPROTEIN B-100, FAMILIAL LIGAND-DEFECTIVE. Identifiers: MedGen C1704417, MONDO:0007751, OMIM 144010.

Allele frequency attached by ClinVar (database versions not stated): ExAC 0.00001; gnomAD 0.00001 and 0.00002; gnomAD exomes 0.00001; TOPMed 0.00003.
gnomAD v4.1: 13 of 1,613,980 alleles (0.00081%); highest among the groups gnomAD compares: Non-Finnish European, 0.0011%; no homozygotes.

Submissions (2):

Labcorp Genetics (formerly Invitae), Labcorp
Classification: Likely benign for Familial hypobetalipoproteinemia 1; Hypercholesterolemia, autosomal dominant, type B. Last evaluated: 2025-06-30. Review status: criteria provided, single submitter. Criteria: Invitae Variant Classification Sherloc (09022015). Collection method: clinical testing. Allele origin: germline.

Ambry Genetics
Classification: Uncertain significance for Cardiovascular phenotype. Last evaluated: 2023-12-15. Review status: criteria provided, single submitter. Criteria: Ambry Variant Classification Scheme 2023. Collection method: clinical testing. Allele origin: germline.
Comment: The p.I429S variant (also known as c.1286T>G), located in coding exon 10 of the APOB gene, results from a T to G substitution at nucleotide position 1286. The isoleucine at codon 429 is replaced by serine, an amino acid with dissimilar properties. This amino acid position is conserved. In addition, the in silico prediction for this alteration is inconclusive. Since supporting evidence is limited at this time, the clinical significance of this alteration remains unclear.